The following is an entry in ClinVar:

ClinVar aggregate classification (germline): Uncertain significance (1 of 4 stars; one submission).

Conditions:
Noonan syndrome 9 (NS9). Identifiers: Orphanet 648, MedGen C4225282, MONDO:0014691, OMIM 616559.

gnomAD v4.1: 4 of 1,601,346 alleles (0.00025%); highest among the groups gnomAD compares: Non-Finnish European, 0.00026%; no homozygotes.

Submission:

Labcorp Genetics (formerly Invitae), Labcorp
Classification: Uncertain significance for Noonan syndrome 9. Last evaluated: 2025-12-01. Review status: criteria provided, single submitter. Criteria: Invitae Variant Classification Sherloc (09022015). Collection method: clinical testing. Allele origin: germline.
Comment: This sequence change replaces leucine, which is neutral and non-polar, with valine, which is neutral and non-polar, at codon 639 of the SOS2 protein (p.Leu639Val). This variant is not present in population databases (gnomAD no frequency). This variant has not been reported in the literature in individuals affected with SOS2-related conditions. Invitae Evidence Modeling of protein sequence and biophysical properties (such as structural, functional, and spatial information, amino acid conservation, physicochemical variation, residue mobility, and thermodynamic stability) has been performed for this missense variant. However, the output from this modeling did not meet the statistical confidence thresholds required to predict the impact of this variant on SOS2 protein function. In summary, the available evidence is currently insufficient to determine the role of this variant in disease. Therefore, it has been classified as a Variant of Uncertain Significance.

NM_006939.4(SOS2):c.1915C>G (p.Leu639Val)

Gene: SOS2 (SOS Ras/Rho guanine nucleotide exchange factor 2; minus strand). Cytogenetic location: 14q21.3.
Variant type: single nucleotide variant.
Coding change: c.1915C>G on transcript NM_006939.4 (MANE Select); coding-DNA position 1915, C replaced by G.
Protein change: p.Leu639Val; replaces leucine 639 with valine.
Molecular consequence: missense variant.
Genome position (GRCh38, 1-based): chr14:50,158,584, G>C on the plus strand (C>G on the coding strand, the complement: SOS2 is on the minus strand). VCF-style: chr14-50158584-G-C. GRCh37 (hg19) VCF-style: chr14-50625302-G-C.
Other names: c.1816C>G, p.Leu606Val (NM_001411020.1); short protein forms L639V, L606V.
Identifiers: ClinVar variation 4753115 (VCV004753115.1).